The following is an entry in ClinVar:

ClinVar aggregate classification (germline): Pathogenic (1 of 4 stars; one submission).

Conditions:
Hereditary cancer-predisposing syndrome. Also called: Tumor predisposition; Hereditary neoplastic syndrome; Hereditary Cancer Syndrome; Neoplastic Syndromes, Hereditary. Identifiers: Orphanet 140162, MedGen C0027672, MeSH D009386, MONDO:0015356.

Submission:

Ambry Genetics
Classification: Pathogenic for Hereditary cancer-predisposing syndrome. Last evaluated: 2023-11-03. Review status: criteria provided, single submitter. Criteria: Ambry Variant Classification Scheme 2023. Collection method: clinical testing. Allele origin: germline.
Comment: The p.Q611* pathogenic mutation (also known as c.1831C>T), located in coding exon 14 of the SDHA gene, results from a C to T substitution at nucleotide position 1831. This changes the amino acid from a glutamine to a stop codon within coding exon 14. This variant is considered to be rare based on population cohorts in the Genome Aggregation Database (gnomAD). This alteration is expected to result in loss of function by premature protein truncation or nonsense-mediated mRNA decay. As such, this alteration is interpreted as a disease-causing mutation.

NM_004168.4(SDHA):c.1831C>T (p.Gln611Ter)

Gene: SDHA (succinate dehydrogenase complex flavoprotein subunit A; plus strand). Cytogenetic location: 5p15.33.
Variant type: single nucleotide variant.
Coding change: c.1831C>T on transcript NM_004168.4 (MANE Select); coding-DNA position 1831, C replaced by T.
Protein change: p.Gln611Ter; replaces glutamine 611 with a stop codon.
Molecular consequence: nonsense.
Genome position (GRCh38, 1-based): chr5:254,429, C>T. VCF-style: chr5-254429-C-T. GRCh37 (hg19) VCF-style: chr5-254544-C-T.
Other names: c.1687C>T, p.Gln563Ter (NM_001294332.2); c.1588C>T, p.Gln530Ter (NM_001330758.2); short protein forms Q530*, Q563*, Q611*.
Identifiers: ClinVar variation 3223732 (VCV003223732.1), dbSNP rs1579445044, ClinGen allele CA359001833.